The following is an entry in ClinVar:

ClinVar aggregate classification (germline): Uncertain significance. Review status: criteria provided, multiple submitters, no conflicts (2 of 4 stars). 2 submissions from 2 submitters: Uncertain significance (2). Last evaluated 2025-07-02.

Conditions:
Inborn genetic diseases. Identifiers: MedGen C0950123, MeSH D030342.
Megaconial type congenital muscular dystrophy (MDCMC). Also called: MUSCULAR DYSTROPHY, CONGENITAL, WITH MITOCHONDRIAL STRUCTURAL ABNORMALITIES; CHKB-Related Muscular Dystrophy; CHKB-Related Muscle Diseases. Identifiers: Orphanet 280671, MedGen C1865233, MONDO:0011246, OMIM 602541.

Allele frequency attached by ClinVar (database versions not stated): gnomAD exomes 0.00001; ExAC 0.00003; TOPMed 0.00008; ESP Exome Variant Server 0.00015.

Submissions (2):

Ambry Genetics
Classification: Uncertain significance for Inborn genetic diseases. Last evaluated: 2025-07-02. Review status: criteria provided, single submitter. Criteria: Ambry Variant Classification Scheme 2023. Collection method: clinical testing. Allele origin: germline.

Labcorp Genetics (formerly Invitae), Labcorp
Classification: Uncertain significance for Megaconial type congenital muscular dystrophy. Last evaluated: 2022-07-12. Review status: criteria provided, single submitter. Criteria: Invitae Variant Classification Sherloc (09022015). Collection method: clinical testing. Allele origin: germline.
Comment: This sequence change replaces glutamine, which is neutral and polar, with glutamic acid, which is acidic and polar, at codon 309 of the CHKB protein (p.Gln309Glu). This variant is present in population databases (rs139059552, gnomAD 0.03%). This variant has not been reported in the literature in individuals affected with CHKB-related conditions. Algorithms developed to predict the effect of missense changes on protein structure and function are either unavailable or do not agree on the potential impact of this missense change (SIFT: "Tolerated"; PolyPhen-2: "Probably Damaging"; Align-GVGD: "Class C0"). In summary, the available evidence is currently insufficient to determine the role of this variant in disease. Therefore, it has been classified as a Variant of Uncertain Significance.

NM_005198.5(CHKB):c.925C>G (p.Gln309Glu)

Genes: CHKB (choline kinase beta; minus strand), CHKB-CPT1B (CHKB-CPT1B readthrough (NMD candidate); minus strand). Cytogenetic location: 22q13.33.
Variant type: single nucleotide variant.
Coding change: c.925C>G on transcript NM_005198.5 (MANE Select); coding-DNA position 925, C replaced by G.
Protein change: p.Gln309Glu; replaces glutamine 309 with glutamic acid.
Molecular consequence: missense variant. On other transcripts: non-coding transcript variant (1).
Genome position (GRCh38, 1-based): chr22:50,579,976, G>C on the plus strand (C>G on the coding strand, the complement: CHKB is on the minus strand). VCF-style: chr22-50579976-G-C. GRCh37 (hg19) VCF-style: chr22-51018405-G-C.
Other names: short protein forms Q309E.
Identifiers: ClinVar variation 2030920 (VCV002030920.2), dbSNP rs139059552, ClinGen allele CA10323592.
Genomic context (GRCh38, chr22:50,579,976, plus strand): 5'-TCCACCTCCCTCCTTCCTCACAGGATGGGTCCTGCTCCCCAGCCTCTGGCCCACATACCT[G>C]CTGTTCTTGAGTGGGGTAGTCTGTGGGCCTTGCTTTGTAGAAAGGCCATTCCTCGTGAGT-3'
Protein context (NP_005189.2, residues 299-319): RPTDYPTQEQ[Gln309Glu]LHFIRHYLAE